The following is an entry in ClinVar:

NM_152383.5(DIS3L2):c.311G>A (p.Arg104Lys)

Gene: DIS3L2 (DIS3 like 3'-5' exoribonuclease 2; plus strand). Cytogenetic location: 2q37.1.
Variant type: single nucleotide variant.
Coding change: c.311G>A on transcript NM_152383.5 (MANE Select); coding-DNA position 311, G replaced by A.
Protein change: p.Arg104Lys; replaces arginine 104 with lysine.
Molecular consequence: missense variant. On other transcripts: non-coding transcript variant (2).
Genome position (GRCh38, 1-based): chr2:232,030,025, G>A. VCF-style: chr2-232030025-G-A. GRCh37 (hg19) VCF-style: chr2-232894735-G-A.
Other names: c.311G>A, p.Arg104Lys (NM_001257281.2, NM_001257282.2); short protein forms R104K.
Identifiers: ClinVar variation 1481414 (VCV001481414.8), dbSNP rs1260084021, ClinGen allele CA351152938.

ClinVar aggregate classification (germline): Uncertain significance (1 of 4 stars; one submission).

Conditions:
Perlman syndrome (PRLMNS). Identifiers: Orphanet 2849, MedGen C0796113, MONDO:0009965, OMIM 267000.

Allele frequency attached by ClinVar (database versions not stated): gnomAD exomes below 0.00001.
gnomAD v4.1: 1 of 1,609,918 alleles (0.000062%); highest among the groups gnomAD compares: Admixed American, 0.0017%; no homozygotes.

Submission:

Labcorp Genetics (formerly Invitae), Labcorp
Classification: Uncertain significance for Perlman syndrome. Last evaluated: 2021-07-19. Review status: criteria provided, single submitter. Criteria: Invitae Variant Classification Sherloc (09022015). Collection method: clinical testing. Allele origin: germline.
Comment: Algorithms developed to predict the effect of missense changes on protein structure and function are either unavailable or do not agree on the potential impact of this missense change (SIFT: "Tolerated"; PolyPhen-2: "Probably Damaging"; Align-GVGD: "Class C0"). In summary, the available evidence is currently insufficient to determine the role of this variant in disease. Therefore, it has been classified as a Variant of Uncertain Significance. This sequence change replaces arginine with lysine at codon 104 of the DIS3L2 protein (p.Arg104Lys). The arginine residue is highly conserved and there is a small physicochemical difference between arginine and lysine. This variant is not present in population databases (ExAC no frequency). This variant has not been reported in the literature in individuals affected with DIS3L2-related conditions.